The following is an entry in ClinVar:

ClinVar aggregate classification (germline): Uncertain significance. Review status: criteria provided, multiple submitters, no conflicts (2 of 4 stars). 2 submissions from 2 submitters: Uncertain significance (2). Last evaluated 2024-11-13.

Conditions:
SMARCA2-related disorder. Also called: SMARCA2-related condition.

gnomAD v4.1: 1 of 1,602,002 alleles (0.000062%); highest among the groups gnomAD compares: Non-Finnish European, 0.000086%; no homozygotes.

Submissions (2):

PreventionGenetics, part of Exact Sciences
Classification: Uncertain significance for SMARCA2-related condition. Last evaluated: 2024-11-13. Review status: criteria provided, single submitter. Criteria: ACMG Guidelines, 2015. Collection method: clinical testing. Allele origin: germline.
Comment: The SMARCA2 c.4365G>C variant is predicted to result in the amino acid substitution p.Arg1455Ser. To our knowledge, this variant has not been reported in the literature or in a large population database, indicating this variant is rare. At this time, the clinical significance of this variant is uncertain due to the absence of conclusive functional and genetic evidence.

GeneDx
Classification: Uncertain significance. Last evaluated: 2024-08-03. Review status: criteria provided, single submitter. Criteria: GeneDx Variant Classification Process June 2021. Collection method: clinical testing. Allele origin: germline. Affected: yes.
Comment: Not observed at significant frequency in large population cohorts (gnomAD); In silico analysis supports that this missense variant has a deleterious effect on protein structure/function; Has not been previously published as pathogenic or benign to our knowledge

NM_003070.5(SMARCA2):c.4365G>C (p.Arg1455Ser)

Gene: SMARCA2 (SWI/SNF related BAF chromatin remodeling complex subunit ATPase 2; plus strand). Cytogenetic location: 9p24.3.
Variant type: single nucleotide variant.
Coding change: c.4365G>C on transcript NM_003070.5 (MANE Select); coding-DNA position 4365, G replaced by C.
Protein change: p.Arg1455Ser; replaces arginine 1455 with serine.
Molecular consequence: missense variant.
Genome position (GRCh38, 1-based): chr9:2,182,146, G>C. VCF-style: chr9-2182146-G-C. GRCh37 (hg19) VCF-style: chr9-2182146-G-C.
Other names: c.4365G>C, p.Arg1455Ser (NM_001289396.2); c.4137G>C, p.Arg1379Ser (NM_001289397.2); c.339G>C, p.Arg113Ser (NM_001289398.2); c.423G>C, p.Arg141Ser (NM_001289399.2); c.429G>C, p.Arg143Ser (NM_001289400.2); c.4311G>C, p.Arg1437Ser (NM_139045.4); c.4365G>C (NM_003070.4); short protein forms R113S, R1379S, R141S, R1437S, R143S, R1455S.
Identifiers: ClinVar variation 3602480 (VCV003602480.2).